The following is an entry in ClinVar:

ClinVar aggregate classification (germline): Uncertain significance (1 of 4 stars; one submission).

Allele frequency attached by ClinVar (database versions not stated): gnomAD exomes below 0.00001.
gnomAD v4.1: 1 of 1,614,164 alleles (0.000062%); highest among the groups gnomAD compares: African/African-American, 0.0013%; no homozygotes.

Submission:

Greenwood Genetic Center Diagnostic Laboratories, Greenwood Genetic Center
Classification: Uncertain significance. Last evaluated: 2023-01-25. Review status: criteria provided, single submitter. Criteria: ACMG Guidelines, 2015. Collection method: clinical testing. Allele origin: germline. Affected: yes.
Comment: PM2

NM_001378418.1(TCF20):c.4266G>T (p.Gln1422His)

Gene: TCF20 (transcription factor 20; minus strand). Cytogenetic location: 22q13.2.
Variant type: single nucleotide variant.
Coding change: c.4266G>T on transcript NM_001378418.1 (MANE Select); coding-DNA position 4266, G replaced by T.
Protein change: p.Gln1422His; replaces glutamine 1422 with histidine.
Molecular consequence: missense variant.
Genome position (GRCh38, 1-based): chr22:42,211,040, C>A on the plus strand (G>T on the coding strand, the complement: TCF20 is on the minus strand). VCF-style: chr22-42211040-C-A. GRCh37 (hg19) VCF-style: chr22-42607046-C-A.
Other names: c.4266G>T, p.Gln1422His (NM_005650.4, NM_181492.3); short protein forms Q1422H.
Identifiers: ClinVar variation 2505238 (VCV002505238.1), dbSNP rs2518208216, ClinGen allele CA411784695.